The following is an entry in ClinVar:

ClinVar aggregate classification (germline): Benign. Review status: criteria provided, multiple submitters, no conflicts (2 of 4 stars). 3 submissions from 3 submitters: Benign (2). 1 of the submissions does not count toward it. Last evaluated 2018-09-19.

Conditions:
EHHADH-related disorder. Also called: EHHADH-related condition.

Allele frequency attached by ClinVar (database versions not stated): gnomAD exomes 0.00003 and 0.00011; gnomAD 0.00006 and 0.00007; TOPMed 0.00011; ExAC 0.00013; 1000 Genomes Project 30x 0.00016; 1000 Genomes Project 0.00020.
gnomAD v4.1: 60 of 1,614,238 alleles (0.0037%); highest among the groups gnomAD compares: East Asian, 0.11%; no homozygotes.

Submissions (3):

Labcorp Genetics (formerly Invitae), Labcorp
Classification: Benign. Last evaluated: 2018-09-19. Review status: criteria provided, single submitter. Criteria: Invitae Variant Classification Sherloc (09022015). Collection method: clinical testing. Allele origin: germline.

Breakthrough Genomics
Classification: Benign. Review status: criteria provided, single submitter. Criteria: ACMG Guidelines, 2015. Collection method: not provided. Allele origin: germline. Inheritance: Autosomal dominant inheritance. Affected: yes.

PreventionGenetics, part of Exact Sciences
Classification: Likely benign for EHHADH-related condition. Last evaluated: 2023-11-06. Review status: no assertion criteria provided. Collection method: clinical testing. Allele origin: germline. Not counted in ClinVar's aggregate classification.
Comment: This variant is classified as likely benign based on ACMG/AMP sequence variant interpretation guidelines (Richards et al. 2015 PMID: 25741868, with internal and published modifications).

NM_001966.4(EHHADH):c.783A>G (p.Gln261=)

Gene: EHHADH (enoyl-CoA hydratase and 3-hydroxyacyl CoA dehydrogenase; minus strand). Cytogenetic location: 3q27.2.
Variant type: single nucleotide variant.
Coding change: c.783A>G on transcript NM_001966.4 (MANE Select); coding-DNA position 783, A replaced by G.
Protein change: p.Gln261=; no amino-acid change (glutamine 261 retained).
Molecular consequence: synonymous variant.
Genome position (GRCh38, 1-based): chr3:185,204,543, T>C on the plus strand (A>G on the coding strand, the complement: EHHADH is on the minus strand). VCF-style: chr3-185204543-T-C. GRCh37 (hg19) VCF-style: chr3-184922331-T-C.
Other names: c.495A>G, p.Gln165= (NM_001166415.2).
Identifiers: ClinVar variation 751450 (VCV000751450.6), dbSNP rs138063371, ClinGen allele CA2739128.